The following is an entry in ClinVar:

ClinVar aggregate classification (germline): Pathogenic. Review status: criteria provided, multiple submitters, no conflicts (2 of 4 stars). 2 submissions from 2 submitters: Pathogenic (2). Last evaluated 2017-02-20.

Conditions:
Alagille syndrome due to a JAG1 point mutation. Also called: JAG1-Related Alagille Syndrome; Alagille Syndrome 1; HEPATIC DUCTULAR HYPOPLASIA, SYNDROMATIC. Identifiers: Orphanet 261619, Orphanet 52, MedGen C1956125, MONDO:0016862, OMIM 118450.

Submissions (2):

Labcorp Genetics (formerly Invitae), Labcorp
Classification: Pathogenic for Alagille syndrome due to a JAG1 point mutation. Last evaluated: 2017-02-20. Review status: criteria provided, single submitter. Criteria: Invitae Variant Classification Sherloc (09022015). Collection method: clinical testing. Allele origin: germline.
Comment: This sequence change creates a premature translational stop signal at codon 281 (p.Gln281*) of the JAG1 gene. It is expected to result in an absent or disrupted protein product. For these reasons, this variant has been classified as Pathogenic. Loss-of-function variants in JAG1 are known to be pathogenic. This particular variant has been reported in individuals affected with Alagille syndrome (PMID: 15712272).

Eurofins Ntd Llc (ga)
Classification: Pathogenic. Last evaluated: 2016-03-28. Review status: criteria provided, single submitter. Criteria: EGL Classification Definitions 2015. Collection method: clinical testing. Allele origin: germline. Observed: 1 variant allele, 1 heterozygote.

Literature cited by the submitters: PubMed 15712272 (cited by Labcorp Genetics (formerly Invitae), Labcorp).

NM_000214.3(JAG1):c.841C>T (p.Gln281Ter)

Gene: JAG1 (jagged canonical Notch ligand 1; minus strand). Cytogenetic location: 20p12.2.
Variant type: single nucleotide variant.
Coding change: c.841C>T on transcript NM_000214.3 (MANE Select); coding-DNA position 841, C replaced by T.
Protein change: p.Gln281Ter; replaces glutamine 281 with a stop codon.
Molecular consequence: nonsense.
Genome position (GRCh38, 1-based): chr20:10,652,513, G>A on the plus strand (C>T on the coding strand, the complement: JAG1 is on the minus strand). VCF-style: chr20-10652513-G-A. GRCh37 (hg19) VCF-style: chr20-10633161-G-A.
Other names: c.841C>T, p.Gln281Ter (LRG_1191t1); short protein forms Q281*.
Identifiers: ClinVar variation 287245 (VCV000287245.13), dbSNP rs886043603, ClinGen allele CA10605712.